The following is an entry in ClinVar:

ClinVar aggregate classification (germline): Uncertain significance. Review status: criteria provided, multiple submitters, no conflicts (2 of 4 stars). 8 submissions from 8 submitters: Uncertain significance (8). Last evaluated 2026-07-06.

Conditions:
Congenital myopathy with fiber type disproportion. Also called: Congenital fiber-type disproportion; Congenital fiber-type disproportion myopathy. Identifiers: Orphanet 2020, MedGen C0546264, MONDO:0009711. Inheritance: all.
Central core myopathy (CMYO1A). Also called: CONGENITAL MYOPATHY 1A, AUTOSOMAL DOMINANT, WITH SUSCEPTIBILITY TO MALIGNANT HYPERTHERMIA; Central core disease; Myopathy, central fibrillar. Identifiers: Orphanet 597, MedGen C5830701, MONDO:0007294, OMIM 117000.
Malignant hyperthermia, susceptibility to, 1 (MHS1). Also called: RYR1-Related Malignant Hyperthermia Susceptibility; Malignant hyperthermia suceptibility 1; Anesthesia related hyperthermia; Malignant hyperpyrexia; Fulminating hyperpyrexia; Pharmacogenic myopathy. Identifiers: Orphanet 423, MedGen C2930980, MONDO:0007783, OMIM 145600.
Multiminicore myopathy. Identifiers: Orphanet 598, MedGen C0270962, MONDO:0018948.
Congenital multicore myopathy with external ophthalmoplegia (CMYO1B). Also called: Congenital myopathy 1B, autosomal recessive; Minicore myopathy; MULTIMINICORE DISEASE WITH EXTERNAL OPHTHALMOPLEGIA; MULTICORE MYOPATHY; Minicore myopathy with external ophthalmoplegia. Identifiers: Orphanet 598, Orphanet 98905, MedGen C1850674, MONDO:0009712, OMIM 255320, HP:0003789.
King Denborough syndrome (KDS). Identifiers: MedGen C1840365, MONDO:0020485, OMIM 619542.
RYR1-related disorder. Also called: RYR1-related condition; RYR1-related disorders. Identifiers: MedGen CN239331.
Inborn genetic diseases. Identifiers: MedGen C0950123, MeSH D030342.

Allele frequency attached by ClinVar (database versions not stated): gnomAD 0.00004 and 0.00005; gnomAD exomes 0.00004; TOPMed 0.00004; ExAC 0.00007; 1000 Genomes Project 30x 0.00016; 1000 Genomes Project 0.00020; ESP Exome Variant Server 0.00023.
gnomAD v4.1: 69 of 1,613,254 alleles (0.0043%); highest among the groups gnomAD compares: South Asian, 0.02%; no homozygotes.

Submissions (8):

Ambry Genetics
Classification: Uncertain significance for Inborn genetic diseases. Last evaluated: 2026-07-06. Review status: criteria provided, single submitter. Criteria: Ambry Variant Classification Scheme 2023. Collection method: clinical testing. Allele origin: germline.
Comment: The p.R1015C variant (also known as c.3043C>T), located in coding exon 24 of the RYR1 gene, results from a C to T substitution at nucleotide position 3043. The arginine at codon 1015 is replaced by cysteine, an amino acid with highly dissimilar properties. This amino acid position is conserved. In addition, the in silico prediction for this alteration is inconclusive. Based on the available evidence, the clinical significance of this variant remains unclear.

Labcorp Genetics (formerly Invitae), Labcorp
Classification: Uncertain significance for RYR1-related disorder. Last evaluated: 2025-12-13. Review status: criteria provided, single submitter. Criteria: Invitae Variant Classification Sherloc (09022015). Collection method: clinical testing. Allele origin: germline.
Comment: This sequence change replaces arginine, which is basic and polar, with cysteine, which is neutral and slightly polar, at codon 1015 of the RYR1 protein (p.Arg1015Cys). This variant is present in population databases (rs139006437, gnomAD 0.02%). This missense change has been observed in individual(s) with RYR1-related conditions (PMID: 41113287). ClinVar contains an entry for this variant (Variation ID: 544410). Invitae Evidence Modeling of protein sequence and biophysical properties (such as structural, functional, and spatial information, amino acid conservation, physicochemical variation, residue mobility, and thermodynamic stability) indicates that this missense variant is expected to disrupt RYR1 protein function with a positive predictive value of 80%. In summary, the available evidence is currently insufficient to determine the role of this variant in disease. Therefore, it has been classified as a Variant of Uncertain Significance.

All of Us Research Program, National Institutes of Health
Classification: Uncertain significance for Malignant hyperthermia, susceptibility to, 1. Last evaluated: 2024-05-14. Review status: criteria provided, single submitter. Criteria: ACMG Guidelines, 2015. Collection method: clinical testing. Allele origin: germline. Inheritance: Autosomal dominant inheritance. Observed: 12 variant alleles, 12 heterozygotes.
Comment: This missense variant replaces arginine with cysteine at codon 1015 of the RYR1 protein. Computational prediction is inconclusive regarding the impact of this variant on protein structure and function (internally defined REVEL score threshold 0.6 < inconclusive < 0.85, PMID: 27666373). To our knowledge, functional studies have not been reported for this variant. This variant has not been reported in individuals affected with RYR1-related disorders in the literature. This variant has been identified in 12/279094 chromosomes in the general population by the Genome Aggregation Database (gnomAD). The available evidence is insufficient to determine the role of this variant in disease conclusively. Therefore, this variant is classified as a Variant of Uncertain Significance.

This study involves interpretation of variants in research participants for the purpose of population health screening. Participant phenotype was not available at the time of variant classification. Additional details can be found in publication PMID: 35346344, PMCID: PMC8962531

Blueprint Genetics
Classification: Uncertain significance. Last evaluated: 2024-04-26. Review status: criteria provided, single submitter. Criteria: ACMG Guidelines, 2015. Collection method: clinical testing. Allele origin: germline.

Color Diagnostics, LLC DBA Color Health
Classification: Uncertain significance for Malignant hyperthermia, susceptibility to, 1. Last evaluated: 2023-11-29. Review status: criteria provided, single submitter. Criteria: ACMG Guidelines, 2015. Collection method: clinical testing. Allele origin: germline.
Comment: This missense variant replaces arginine with cysteine at codon 1015 of the RYR1 protein. Computational prediction is inconclusive regarding the impact of this variant on protein structure and function. To our knowledge, functional studies have not been reported for this variant. This variant has not been reported in individuals affected with RYR1-related disorders in the literature. This variant has been identified in 12/279094 chromosomes in the general population by the Genome Aggregation Database (gnomAD). The available evidence is insufficient to determine the role of this variant in disease conclusively. Therefore, this variant is classified as a Variant of Uncertain Significance.

GeneDx
Classification: Uncertain significance. Last evaluated: 2023-11-14. Review status: criteria provided, single submitter. Criteria: GeneDx Variant Classification Process June 2021. Collection method: clinical testing. Allele origin: germline. Affected: yes.
Comment: In silico analysis supports that this missense variant has a deleterious effect on protein structure/function; Has not been previously published as pathogenic or benign to our knowledge

Fulgent Genetics
Classification: Uncertain significance for Central core myopathy; Malignant hyperthermia, susceptibility to, 1; Congenital myopathy 4A, autosomal dominant; Congenital multicore myopathy with external ophthalmoplegia; King Denborough syndrome. Last evaluated: 2021-08-06. Review status: criteria provided, single submitter. Criteria: ACMG Guidelines, 2015. Collection method: clinical testing. Allele origin: unknown.

Revvity Omics, Revvity
Classification: Uncertain significance. Last evaluated: 2020-09-14. Review status: criteria provided, single submitter. Criteria: ACMG Guidelines, 2015. Collection method: clinical testing. Allele origin: germline.

Literature cited by the submitters: PubMed 41113287 (cited by Labcorp Genetics (formerly Invitae), Labcorp).

NM_000540.3(RYR1):c.3043C>T (p.Arg1015Cys)

Gene: RYR1 (ryanodine receptor 1; plus strand). Cytogenetic location: 19q13.2.
Variant type: single nucleotide variant.
Coding change: c.3043C>T on transcript NM_000540.3 (MANE Select); coding-DNA position 3043, C replaced by T.
Protein change: p.Arg1015Cys; replaces arginine 1015 with cysteine.
Molecular consequence: missense variant.
Genome position (GRCh38, 1-based): chr19:38,466,263, C>T. VCF-style: chr19-38466263-C-T. GRCh37 (hg19) VCF-style: chr19-38956903-C-T.
Other names: c.3043C>T, p.Arg1015Cys (NM_001042723.2); short protein forms R1015C.
Identifiers: ClinVar variation 544410 (VCV000544410.18), dbSNP rs139006437, ClinGen allele CA064332.